The following is an entry in ClinVar:

ClinVar aggregate classification (germline): Uncertain significance. Review status: criteria provided, multiple submitters, no conflicts (2 of 4 stars). 2 submissions from 2 submitters: Uncertain significance (2). Last evaluated 2025-04-22.

gnomAD v4.1: 15 of 1,614,000 alleles (0.00093%); highest among the groups gnomAD compares: Admixed American, 0.0017%; no homozygotes.

Submissions (2):

Labcorp Genetics (formerly Invitae), Labcorp
Classification: Uncertain significance. Last evaluated: 2025-04-22. Review status: criteria provided, single submitter. Criteria: Invitae Variant Classification Sherloc (09022015). Collection method: clinical testing. Allele origin: germline.
Comment: This sequence change replaces valine, which is neutral and non-polar, with isoleucine, which is neutral and non-polar, at codon 268 of the ACTN1 protein (p.Val268Ile). The frequency data for this variant in the population databases is considered unreliable, as metrics indicate poor data quality at this position in the gnomAD database. This variant has not been reported in the literature in individuals affected with ACTN1-related conditions. Invitae Evidence Modeling of protein sequence and biophysical properties (such as structural, functional, and spatial information, amino acid conservation, physicochemical variation, residue mobility, and thermodynamic stability) indicates that this missense variant is not expected to disrupt ACTN1 protein function with a negative predictive value of 80%. In summary, the available evidence is currently insufficient to determine the role of this variant in disease. Therefore, it has been classified as a Variant of Uncertain Significance.

Blueprint Genetics
Classification: Uncertain significance. Last evaluated: 2024-02-14. Review status: criteria provided, single submitter. Criteria: ACMG Guidelines, 2015. Collection method: clinical testing. Allele origin: germline.

NM_001130004.2(ACTN1):c.802G>A (p.Val268Ile)

Gene: ACTN1 (actinin alpha 1; minus strand). Cytogenetic location: 14q24.1.
Variant type: single nucleotide variant.
Coding change: c.802G>A on transcript NM_001130004.2 (MANE Select); coding-DNA position 802, G replaced by A.
Protein change: p.Val268Ile; replaces valine 268 with isoleucine.
Molecular consequence: missense variant. On other transcripts: 5 prime UTR variant (1).
Genome position (GRCh38, 1-based): chr14:68,893,708, C>T on the plus strand (G>A on the coding strand, the complement: ACTN1 is on the minus strand). VCF-style: chr14-68893708-C-T. GRCh37 (hg19) VCF-style: chr14-69360425-C-T.
Other names: c.802G>A, p.Val268Ile (NM_001102.4, NM_001130005.2, NM_001411035.1 and 9 more transcripts); c.607G>A, p.Val203Ile (NM_001411036.1, NM_001424026.1, NM_001424028.1); c.928G>A, p.Val310Ile (NM_001424013.1); c.889G>A, p.Val297Ile (NM_001424015.1); c.799G>A, p.Val267Ile (NM_001424017.1); c.739G>A, p.Val247Ile (NM_001424018.1, NM_001424020.1, NM_001424022.1); c.733G>A, p.Val245Ile (NM_001424021.1); c.-24G>A (NM_001424030.1); short protein forms V267I, V268I, V203I, V245I, V247I, V297I, V310I.
Identifiers: ClinVar variation 4777427 (VCV004777427.2).
Genomic context (GRCh38, chr14:68,893,708, plus strand): 5'-TACCCACATCACTGGCCAGCTTCTCGTAGTCTTCCATAAGCTGCTCGTTCTCCTGGTTGA[C>T]GGCCAACACCTTGCAGATGCGATTGGCTGCTGTCTCCGCCTGGCAACAAGACAGAGAGAG-3'
Protein context (NP_001123476.1, residues 258-278): AANRICKVLA[Val268Ile]NQENEQLMED